The following is an entry in ClinVar:

NM_000142.5(FGFR3):c.791C>T (p.Thr264Met)

Gene: FGFR3 (fibroblast growth factor receptor 3; plus strand). Cytogenetic location: 4p16.3.
Variant type: single nucleotide variant.
Coding change: c.791C>T on transcript NM_000142.5 (MANE Select); coding-DNA position 791, C replaced by T.
Protein change: p.Thr264Met; replaces threonine 264 with methionine.
Molecular consequence: missense variant. On other transcripts: non-coding transcript variant (1).
Genome position (GRCh38, 1-based): chr4:1,801,886, C>T. VCF-style: chr4-1801886-C-T. GRCh37 (hg19) VCF-style: chr4-1803613-C-T.
Other names: c.791C>T, p.Thr264Met (NM_001163213.2, NM_001354809.2, NM_001354810.2 and 1 more transcripts); short protein forms T264M.
Identifiers: ClinVar variation 1680030 (VCV001680030.7), dbSNP rs587778773, ClinGen allele CA345147.
Genomic context (GRCh38, chr4:1,801,886, plus strand): 5'-CCCCCACAGAGCGCTCCCCGCACCGGCCCATCCTGCAGGCGGGGCTGCCGGCCAACCAGA[C>T]GGCGGTGCTGGGCAGCGACGTGGAGTTCCACTGCAAGGTGTACAGTGACGCACAGCCCCA-3'
Protein context (NP_000133.1, residues 254-274): ILQAGLPANQ[Thr264Met]AVLGSDVEFH

ClinVar aggregate classification (germline): Pathogenic/Likely pathogenic. Review status: criteria provided, multiple submitters, no conflicts (2 of 4 stars). 2 submissions from 2 submitters: Pathogenic (1); Likely pathogenic (1). Last evaluated 2026-06-23.

Conditions:
Hypochondroplasia (HCH). Identifiers: Orphanet 429, MedGen C0410529, MONDO:0007793, OMIM 146000. Disease mechanism: gain of function.

Allele frequency attached by ClinVar (database versions not stated): gnomAD exomes below 0.00001.
gnomAD v4.1: 2 of 1,610,554 alleles (0.00012%); no homozygotes.

Submissions (2):

Genomenon, Inc
Classification: Likely pathogenic for Hypochondroplasia. Last evaluated: 2026-06-23. Review status: criteria provided, single submitter. Criteria: Genomenon Sequence Variant Interpretation Standards - Updated. Collection method: curation. Allele origin: germline. Affected: yes.
Comment: FGFR3 p.Thr264Met (c.791C>T) is a missense variant that changes the amino acid at codon 264 from Threonine to Methionine. This variant has been observed in at least one proband with hypochondroplasia (PMID:22903874). It is absent or not present at a significant frequency in gnomAD. In silico models predict that this variant is possibly or probably damaging. In conclusion, we classify FGFR3 p.Thr264Met (c.791C>T) as a likely pathogenic variant.

Labcorp Genetics (formerly Invitae), Labcorp
Classification: Pathogenic. Last evaluated: 2024-12-16. Review status: criteria provided, single submitter. Criteria: Invitae Variant Classification Sherloc (09022015). Collection method: clinical testing. Allele origin: germline.
Comment: This sequence change replaces threonine, which is neutral and polar, with methionine, which is neutral and non-polar, at codon 264 of the FGFR3 protein (p.Thr264Met). This variant is present in population databases (rs587778773, gnomAD 0.005%). This missense change has been observed in individuals with hypochondroplasia (PMID: 22903874; internal data). ClinVar contains an entry for this variant (Variation ID: 1680030). Invitae Evidence Modeling of protein sequence and biophysical properties (such as structural, functional, and spatial information, amino acid conservation, physicochemical variation, residue mobility, and thermodynamic stability) indicates that this missense variant is expected to disrupt FGFR3 protein function with a positive predictive value of 80%. For these reasons, this variant has been classified as Pathogenic.

Literature cited by the submitters: PubMed 22903874 (cited by Genomenon, Inc and Labcorp Genetics (formerly Invitae), Labcorp); PubMed 30681580 (cited by Genomenon, Inc).